The following is an entry in ClinVar:

NM_003803.4(MYOM1):c.3782G>A (p.Arg1261Gln)

Gene: MYOM1 (myomesin 1; minus strand). Cytogenetic location: 18p11.31.
Variant type: single nucleotide variant.
Coding change: c.3782G>A on transcript NM_003803.4 (MANE Select); coding-DNA position 3782, G replaced by A.
Protein change: p.Arg1261Gln; replaces arginine 1261 with glutamine.
Molecular consequence: missense variant.
Genome position (GRCh38, 1-based): chr18:3,094,252, C>T on the plus strand (G>A on the coding strand, the complement: MYOM1 is on the minus strand). VCF-style: chr18-3094252-C-T. GRCh37 (hg19) VCF-style: chr18-3094250-C-T.
Other names: c.3494G>A, p.Arg1165Gln (NM_019856.2); short protein forms R1261Q, R1165Q.
Identifiers: ClinVar variation 525008 (VCV000525008.9), dbSNP rs374656485, ClinGen allele CA8874164.
Genomic context (GRCh38, chr18:3,094,252, plus strand): 5'-TCGTTAAATATGTAGTTGACTTTGGCATTGCCAGACAGTTTCTCAGCCTGCATCCAAAAC[C>T]GGACCTGGCCTTTCTCCAAAATTTCAACTGCCAACTCTGATTTAACTGGGACAGCTATGA-3'
Protein context (NP_003794.3, residues 1251-1271): AVEILEKGQV[Arg1261Gln]FWMQAEKLSG

ClinVar aggregate classification (germline): Uncertain significance. Review status: criteria provided, multiple submitters, no conflicts (2 of 4 stars). 2 submissions from 2 submitters: Uncertain significance (2). Last evaluated 2025-12-03.

Conditions:
Hypertrophic cardiomyopathy. Also called: HYPERTROPHIC MYOCARDIOPATHY. Identifiers: Orphanet 217569, MedGen C0007194, MeSH D002312, MONDO:0005045, HP:0001639.

Allele frequency attached by ClinVar (database versions not stated): ExAC 0.00002; gnomAD 0.00002 and 0.00003; gnomAD exomes 0.00004 and 0.00006; ESP Exome Variant Server 0.00008; TOPMed 0.00009.
gnomAD v4.1: 65 of 1,613,730 alleles (0.004%); highest among the groups gnomAD compares: Admixed American, 0.033%; 1 homozygote.

Submissions (2):

Ambry Genetics
Classification: Uncertain significance. Last evaluated: 2025-12-03. Review status: criteria provided, single submitter. Criteria: Ambry Variant Classification Scheme 2023. Collection method: clinical testing. Allele origin: germline.

Labcorp Genetics (formerly Invitae), Labcorp
Classification: Uncertain significance for Hypertrophic cardiomyopathy. Last evaluated: 2025-04-20. Review status: criteria provided, single submitter. Criteria: Invitae Variant Classification Sherloc (09022015). Collection method: clinical testing. Allele origin: germline.
Comment: This sequence change replaces arginine, which is basic and polar, with glutamine, which is neutral and polar, at codon 1261 of the MYOM1 protein (p.Arg1261Gln). This variant is present in population databases (rs374656485, gnomAD 0.03%). This variant has not been reported in the literature in individuals affected with MYOM1-related conditions. ClinVar contains an entry for this variant (Variation ID: 525008). Invitae Evidence Modeling of protein sequence and biophysical properties (such as structural, functional, and spatial information, amino acid conservation, physicochemical variation, residue mobility, and thermodynamic stability) has been performed for this missense variant. However, the output from this modeling did not meet the statistical confidence thresholds required to predict the impact of this variant on MYOM1 protein function. In summary, the available evidence is currently insufficient to determine the role of this variant in disease. Therefore, it has been classified as a Variant of Uncertain Significance.